The following is an entry in ClinVar:

ClinVar aggregate classification (germline): Likely benign. Review status: criteria provided, multiple submitters, no conflicts (2 of 4 stars). 4 submissions from 4 submitters: Likely benign (4). Last evaluated 2024-07-29.

Conditions:
Catecholaminergic polymorphic ventricular tachycardia (CVPT). Also called: Catecholamine-induced polymorphic ventricular tachycardia. Identifiers: Orphanet 3286, MedGen C5574922, MONDO:0017990.
Cardiovascular phenotype. Identifiers: MedGen CN230736.
Cardiomyopathy (CMYO). Also called: Cardiomyopathies. Identifiers: Orphanet 167848, MedGen C0878544, MONDO:0004994, HP:0001638. Inheritance: Various modes of inheritance.
Catecholaminergic polymorphic ventricular tachycardia 1. Also called: VENTRICULAR TACHYCARDIA, CATECHOLAMINERGIC POLYMORPHIC, 1, WITH OR WITHOUT ATRIAL DYSFUNCTION AND/OR DILATED CARDIOMYOPATHY; RYR2-Related Catecholaminergic Polymorphic Ventricular Tachycardia; VENTRICULAR TACHYCARDIA, STRESS-INDUCED POLYMORPHIC 1. Identifiers: Orphanet 3286, MedGen C1631597, MONDO:0011484, OMIM 604772.

Allele frequency attached by ClinVar (database versions not stated): gnomAD exomes below 0.00001; gnomAD 0.00001; TOPMed 0.00002.
gnomAD v4.1: 3 of 1,613,908 alleles (0.00019%); highest among the groups gnomAD compares: African/African-American, 0.0013%; no homozygotes.

Submissions (4):

All of Us Research Program, National Institutes of Health
Classification: Likely benign for Catecholaminergic polymorphic ventricular tachycardia. Last evaluated: 2024-07-29. Review status: criteria provided, single submitter. Criteria: ACMG Guidelines, 2015. Collection method: clinical testing. Allele origin: germline. Inheritance: Autosomal dominant inheritance. Observed: 1 variant allele, 1 heterozygote.
Comment: This study involves interpretation of variants in research participants for the purpose of population health screening. Participant phenotype was not available at the time of variant classification. Additional details can be found in publication PMID: 35346344, PMCID: PMC8962531

Labcorp Genetics (formerly Invitae), Labcorp
Classification: Likely benign for Catecholaminergic polymorphic ventricular tachycardia 1. Last evaluated: 2024-05-23. Review status: criteria provided, single submitter. Criteria: Invitae Variant Classification Sherloc (09022015). Collection method: clinical testing. Allele origin: germline.

Ambry Genetics
Classification: Likely benign for Cardiovascular phenotype. Last evaluated: 2023-04-07. Review status: criteria provided, single submitter. Criteria: Ambry Variant Classification Scheme 2023. Collection method: clinical testing. Allele origin: germline.

Color Diagnostics, LLC DBA Color Health
Classification: Likely benign for Cardiomyopathy. Last evaluated: 2018-11-21. Review status: criteria provided, single submitter. Criteria: ACMG Guidelines, 2015. Collection method: clinical testing. Allele origin: germline.

NM_001035.3(RYR2):c.2379T>C (p.Ser793=)

Gene: RYR2 (ryanodine receptor 2; plus strand). Cytogenetic location: 1q43.
Variant type: single nucleotide variant.
Coding change: c.2379T>C on transcript NM_001035.3 (MANE Select); coding-DNA position 2379, T replaced by C.
Protein change: p.Ser793=; no amino-acid change (serine 793 retained).
Molecular consequence: synonymous variant.
Genome position (GRCh38, 1-based): chr1:237,500,886, T>C. VCF-style: chr1-237500886-T-C. GRCh37 (hg19) VCF-style: chr1-237664186-T-C.
Other names: c.2379T>C (NM_001035.2).
Identifiers: ClinVar variation 924295 (VCV000924295.14), dbSNP rs1230175710, ClinGen allele CA423817732.